The following is an entry in ClinVar:

NM_000135.4(FANCA):c.3542T>G (p.Leu1181Arg)

Gene: FANCA (FA complementation group A; minus strand). Cytogenetic location: 16q24.3.
Variant type: single nucleotide variant.
Coding change: c.3542T>G on transcript NM_000135.4 (MANE Select); coding-DNA position 3542, T replaced by G.
Protein change: p.Leu1181Arg; replaces leucine 1181 with arginine.
Molecular consequence: missense variant.
Genome position (GRCh38, 1-based): chr16:89,745,043, A>C on the plus strand (T>G on the coding strand, the complement: FANCA is on the minus strand). VCF-style: chr16-89745043-A-C. GRCh37 (hg19) VCF-style: chr16-89811451-A-C.
Other names: c.3542T>G, p.Leu1181Arg (NM_001286167.3); short protein forms L1181R.
Identifiers: ClinVar variation 944524 (VCV000944524.9), dbSNP rs1300778675, ClinGen allele CA397485737.
Genomic context (GRCh38, chr16:89,745,043, plus strand): 5'-TGTAGCTTCTGCAGTTCCCGGGGCAGCGGGCTCTGGCAGTGTCTCCTCCACCGGCAGAGC[A>C]GCACAGGCTCCAGGCTCGGCCACCACACCTATGGAGAGAGCACCAGCACACAGATGAGGG-3'
Protein context (NP_000126.2, residues 1171-1191): LVWWPSLEPV[Leu1181Arg]LCRWRRHCQS

ClinVar aggregate classification (germline): Uncertain significance (1 of 4 stars; one submission).

Conditions:
Fanconi anemia (FA). Also called: Fanconi's anemia. Identifiers: Orphanet 84, MedGen C0015625, MeSH D005199, MONDO:0019391.

gnomAD v4.1: 1 of 1,609,472 alleles (0.000062%); highest among the groups gnomAD compares: Non-Finnish European, 0.000085%; no homozygotes.

Submission:

Labcorp Genetics (formerly Invitae), Labcorp
Classification: Uncertain significance for Fanconi anemia. Last evaluated: 2019-05-10. Review status: criteria provided, single submitter. Criteria: Invitae Variant Classification Sherloc (09022015). Collection method: clinical testing. Allele origin: germline.
Comment: This sequence change replaces leucine with arginine at codon 1181 of the FANCA protein (p.Leu1181Arg). The leucine residue is highly conserved and there is a moderate physicochemical difference between leucine and arginine. In summary, the available evidence is currently insufficient to determine the role of this variant in disease. Therefore, it has been classified as a Variant of Uncertain Significance. Algorithms developed to predict the effect of missense changes on protein structure and function (SIFT, PolyPhen-2, Align-GVGD) all suggest that this variant is likely to be disruptive, but these predictions have not been confirmed by published functional studies and their clinical significance is uncertain. This variant has not been reported in the literature in individuals with FANCA-related conditions. This variant is not present in population databases (ExAC no frequency).